The following is an entry in ClinVar:

NM_004672.5(MAP3K6):c.2002C>G (p.Arg668Gly)

Gene: MAP3K6 (mitogen-activated protein kinase kinase kinase 6; minus strand). Cytogenetic location: 1p36.11.
Variant type: single nucleotide variant.
Coding change: c.2002C>G on transcript NM_004672.5 (MANE Select); coding-DNA position 2002, C replaced by G.
Protein change: p.Arg668Gly; replaces arginine 668 with glycine.
Molecular consequence: missense variant.
Genome position (GRCh38, 1-based): chr1:27,360,757, G>C on the plus strand (C>G on the coding strand, the complement: MAP3K6 is on the minus strand). VCF-style: chr1-27360757-G-C. GRCh37 (hg19) VCF-style: chr1-27687248-G-C.
Other names: c.1978C>G, p.Arg660Gly (NM_001297609.2); short protein forms R660G, R668G.
Identifiers: ClinVar variation 3048868 (VCV003048868.2), dbSNP rs55869163, ClinGen allele CA713539.

ClinVar aggregate classification (germline): Benign (0 of 4 stars; one submission).

Conditions:
MAP3K6-related disorder. Also called: MAP3K6-related condition.

Allele frequency attached by ClinVar (database versions not stated): gnomAD exomes 0.00043; ExAC 0.00092; ESP Exome Variant Server 0.00115; gnomAD 0.00151; 1000 Genomes Project 0.00160; TOPMed 0.00171; 1000 Genomes Project 30x 0.00250.
gnomAD v4.1: 921 of 1,612,664 alleles (0.057%); highest among the groups gnomAD compares: African/African-American, 0.29%; 1 homozygote.

Submission:

PreventionGenetics, part of Exact Sciences
Classification: Benign for MAP3K6-related condition. Last evaluated: 2021-03-16. Review status: no assertion criteria provided. Collection method: clinical testing. Allele origin: germline.
Comment: This variant is classified as benign based on ACMG/AMP sequence variant interpretation guidelines (Richards et al. 2015 PMID: 25741868, with internal and published modifications).